The following is an entry in ClinVar:

NM_000096.4(CP):c.885C>T (p.His295=)

Gene: CP (ceruloplasmin; minus strand). Cytogenetic location: 3q25.1.
Variant type: single nucleotide variant.
Coding change: c.885C>T on transcript NM_000096.4 (MANE Select); coding-DNA position 885, C replaced by T.
Protein change: p.His295=; no amino-acid change (histidine 295 retained).
Molecular consequence: synonymous variant. On other transcripts: non-coding transcript variant (1).
Genome position (GRCh38, 1-based): chr3:149,207,514, G>A on the plus strand (C>T on the coding strand, the complement: CP is on the minus strand). VCF-style: chr3-149207514-G-A. GRCh37 (hg19) VCF-style: chr3-148925301-G-A.
Identifiers: ClinVar variation 725973 (VCV000725973.28), dbSNP rs766821938, ClinGen allele CA2661206.

ClinVar aggregate classification (germline): Likely benign. Review status: criteria provided, multiple submitters, no conflicts (2 of 4 stars). 2 submissions from 2 submitters: Likely benign (2). Last evaluated 2026-01-05.

Conditions:
Deficiency of ferroxidase (ACEP). Also called: Ceruloplasmin deficiency; Familial apoceruloplasmin deficiency; Hereditary ceruloplasmin deficiency; Aceruloplasminemia; Deficiency of ceruloplasmin; NEURODEGENERATION WITH BRAIN IRON ACCUMULATION 10. Identifiers: Orphanet 48818, MedGen C0878682, MONDO:0011426, OMIM 604290, HP:0025498.

Allele frequency attached by ClinVar (database versions not stated): gnomAD exomes 0.00002 and 0.00006; ExAC 0.00003; TOPMed 0.00004; gnomAD 0.00005 and 0.00006.
gnomAD v4.1: 107 of 1,613,758 alleles (0.0066%); highest among the groups gnomAD compares: Non-Finnish European, 0.0077%; no homozygotes.

Submissions (2):

Labcorp Genetics (formerly Invitae), Labcorp
Classification: Likely benign for Deficiency of ferroxidase. Last evaluated: 2026-01-05. Review status: criteria provided, single submitter. Criteria: Invitae Variant Classification Sherloc (09022015). Collection method: clinical testing. Allele origin: germline.

CeGaT Center for Human Genetics Tuebingen
Classification: Likely benign. Last evaluated: 2025-07-01. Review status: criteria provided, single submitter. Criteria: CeGaT Center For Human Genetics Tuebingen Variant Classification Criteria Version 2. Collection method: clinical testing. Allele origin: germline. Affected: yes. Observed: 2 variant alleles.
Comment: CP: BP4, BP7